The following is an entry in ClinVar:

NM_000097.7(CPOX):c.1316A>T (p.Glu439Val)

Gene: CPOX (coproporphyrinogen oxidase; minus strand). Cytogenetic location: 3q11.2.
Variant type: single nucleotide variant.
Coding change: c.1316A>T on transcript NM_000097.7 (MANE Select); coding-DNA position 1316, A replaced by T.
Protein change: p.Glu439Val; replaces glutamic acid 439 with valine.
Molecular consequence: missense variant.
Genome position (GRCh38, 1-based): chr3:98,580,732, T>A on the plus strand (A>T on the coding strand, the complement: CPOX is on the minus strand). VCF-style: chr3-98580732-T-A. GRCh37 (hg19) VCF-style: chr3-98299576-T-A.
Other names: short protein forms E439V.
Identifiers: ClinVar variation 3647739 (VCV003647739.2).

ClinVar aggregate classification (germline): Uncertain significance (1 of 4 stars; one submission).

Submission:

Labcorp Genetics (formerly Invitae), Labcorp
Classification: Uncertain significance. Last evaluated: 2024-03-26. Review status: criteria provided, single submitter. Criteria: Invitae Variant Classification Sherloc (09022015). Collection method: clinical testing. Allele origin: germline.
Comment: This sequence change replaces glutamic acid, which is acidic and polar, with valine, which is neutral and non-polar, at codon 439 of the CPOX protein (p.Glu439Val). This variant is not present in population databases (gnomAD no frequency). This variant has not been reported in the literature in individuals affected with CPOX-related conditions. Advanced modeling of protein sequence and biophysical properties (such as structural, functional, and spatial information, amino acid conservation, physicochemical variation, residue mobility, and thermodynamic stability) performed at Invitae indicates that this missense variant is expected to disrupt CPOX protein function with a positive predictive value of 80%. Algorithms developed to predict the effect of sequence changes on RNA splicing suggest that this variant may disrupt the consensus splice site. In summary, the available evidence is currently insufficient to determine the role of this variant in disease. Therefore, it has been classified as a Variant of Uncertain Significance.